The following is an entry in ClinVar:

NM_000287.4(PEX6):c.202G>C (p.Gly68Arg)

Gene: PEX6 (peroxisomal biogenesis factor 6; minus strand). Cytogenetic location: 6p21.1.
Variant type: single nucleotide variant.
Coding change: c.202G>C on transcript NM_000287.4 (MANE Select); coding-DNA position 202, G replaced by C.
Protein change: p.Gly68Arg; replaces glycine 68 with arginine.
Molecular consequence: missense variant. On other transcripts: non-coding transcript variant (1).
Genome position (GRCh38, 1-based): chr6:42,978,949, C>G on the plus strand (G>C on the coding strand, the complement: PEX6 is on the minus strand). VCF-style: chr6-42978949-C-G. GRCh37 (hg19) VCF-style: chr6-42946687-C-G.
Other names: c.202G>C (NM_000287.3); c.202G>C, p.Gly68Arg (NM_001316313.2); short protein forms G68R.
Identifiers: ClinVar variation 1495725 (VCV001495725.6), dbSNP rs752644254, ClinGen allele CA138238636.

ClinVar aggregate classification (germline): Uncertain significance. Review status: criteria provided, multiple submitters, no conflicts (2 of 4 stars). 2 submissions from 2 submitters: Uncertain significance (2). Last evaluated 2025-08-04.

Conditions:
Peroxisome biogenesis disorder. Identifiers: Orphanet 79189, MedGen C1832200, MONDO:0019234. Disease mechanism: loss of function.
Inborn genetic diseases. Identifiers: MedGen C0950123, MeSH D030342.

Allele frequency attached by ClinVar (database versions not stated): gnomAD exomes below 0.00001; TOPMed 0.00002.
gnomAD v4.1: 1 of 1,495,968 alleles (0.000067%); highest among the groups gnomAD compares: African/African-American, 0.0015%; no homozygotes.

Submissions (2):

Ambry Genetics
Classification: Uncertain significance for Inborn genetic diseases. Last evaluated: 2025-08-04. Review status: criteria provided, single submitter. Criteria: Ambry Variant Classification Scheme 2023. Collection method: clinical testing. Allele origin: germline.

Labcorp Genetics (formerly Invitae), Labcorp
Classification: Uncertain significance for Peroxisome biogenesis disorder. Last evaluated: 2021-08-14. Review status: criteria provided, single submitter. Criteria: Invitae Variant Classification Sherloc (09022015). Collection method: clinical testing. Allele origin: germline.
Comment: This sequence change replaces glycine with arginine at codon 68 of the PEX6 protein (p.Gly68Arg). The glycine residue is weakly conserved and there is a moderate physicochemical difference between glycine and arginine. The frequency data for this variant in the population databases is considered unreliable, as metrics indicate insufficient coverage at this position in the ExAC database. This variant has not been reported in the literature in individuals affected with PEX6-related conditions. Algorithms developed to predict the effect of missense changes on protein structure and function are either unavailable or do not agree on the potential impact of this missense change (SIFT: "Tolerated"; PolyPhen-2: "Probably Damaging"; Align-GVGD: "Class C0"). In summary, the available evidence is currently insufficient to determine the role of this variant in disease. Therefore, it has been classified as a Variant of Uncertain Significance.